The following is an entry in ClinVar:

ClinVar aggregate classification (germline): Uncertain significance (1 of 4 stars; one submission).

Conditions:
Cryptosporidiosis-chronic cholangitis-liver disease syndrome. Also called: IL21R immunodeficiency; Immunodeficiency type 56. Identifiers: Orphanet 357329, MedGen C3554687, MONDO:0014082, OMIM 615207.

Allele frequency attached by ClinVar (database versions not stated): gnomAD exomes below 0.00001.

Submission:

Labcorp Genetics (formerly Invitae), Labcorp
Classification: Uncertain significance for Cryptosporidiosis-chronic cholangitis-liver disease syndrome. Last evaluated: 2021-08-31. Review status: criteria provided, single submitter. Criteria: Invitae Variant Classification Sherloc (09022015). Collection method: clinical testing. Allele origin: germline.
Comment: This sequence change replaces serine with asparagine at codon 182 of the IL21R protein (p.Ser182Asn). The serine residue is moderately conserved and there is a small physicochemical difference between serine and asparagine. This variant is not present in population databases (ExAC no frequency). This variant has not been reported in the literature in individuals affected with IL21R-related conditions. Algorithms developed to predict the effect of missense changes on protein structure and function output the following: SIFT: "Tolerated"; PolyPhen-2: "Benign"; Align-GVGD: "Class C0". The asparagine amino acid residue is found in multiple mammalian species, which suggests that this missense change does not adversely affect protein function. In summary, the available evidence is currently insufficient to determine the role of this variant in disease. Therefore, it has been classified as a Variant of Uncertain Significance.

NM_181078.3(IL21R):c.545G>A (p.Ser182Asn)

Gene: IL21R (interleukin 21 receptor; plus strand). Cytogenetic location: 16p12.1.
Variant type: single nucleotide variant.
Coding change: c.545G>A on transcript NM_181078.3 (MANE Select); coding-DNA position 545, G replaced by A.
Protein change: p.Ser182Asn; replaces serine 182 with asparagine.
Molecular consequence: missense variant.
Genome position (GRCh38, 1-based): chr16:27,444,579, G>A. VCF-style: chr16-27444579-G-A. GRCh37 (hg19) VCF-style: chr16-27455900-G-A.
Other names: c.545G>A, p.Ser182Asn (NM_021798.4); c.611G>A, p.Ser204Asn (NM_181079.5); short protein forms S204N, S182N.
Identifiers: ClinVar variation 836196 (VCV000836196.4), dbSNP rs2087444395, ClinGen allele CA395303453.